The following is an entry in ClinVar:

NM_024740.2(ALG9):c.1603-509A>G

Gene: ALG9 (ALG9 alpha-1,2-mannosyltransferase; minus strand). Cytogenetic location: 11q23.1.
Variant type: single nucleotide variant.
Coding change: c.1603-509A>G on transcript NM_024740.2 (MANE Select); 509 bases into the intron before coding-DNA position 1603, A replaced by G.
Molecular consequence: intron variant.
Genome position (GRCh38, 1-based): chr11:111,810,282, T>C on the plus strand (A>G on the coding strand, the complement: ALG9 is on the minus strand). VCF-style: chr11-111810282-T-C. GRCh37 (hg19) VCF-style: chr11-111681006-T-C.
Other names: c.1069-509A>G (NM_001352409.1, NM_001352410.1, NM_001352412.2 and 6 more transcripts); c.1459-509A>G (NM_001352418.1); c.1582-509A>G (NM_001352417.1, NM_001077690.1); c.1090-509A>G (NM_001352413.1, NM_001352414.2, NM_001077691.2 and 1 more transcripts); c.994-509A>G (NM_001352422.2); c.946-509A>G (NM_001352423.2).
Identifiers: ClinVar variation 1325498 (VCV001325498.1), dbSNP rs115136012, ClinGen allele CA228550013.

ClinVar aggregate classification (germline): Uncertain significance (1 of 4 stars; one submission).

Conditions:
ALG9 congenital disorder of glycosylation (CDG1L). Also called: CDG Il; CONGENITAL DISORDER OF GLYCOSYLATION, TYPE Il; ALG9-CDG. Identifiers: Orphanet 79328, MedGen C2931006, MONDO:0012117, OMIM 608776.

Allele frequency attached by ClinVar (database versions not stated): TOPMed 0.00155; gnomAD 0.00159 and 0.00163; 1000 Genomes Project 0.00260; 1000 Genomes Project 30x 0.00265.
gnomAD v4.1: 239 of 152,280 alleles (0.16%); highest among the groups gnomAD compares: African/African-American, 0.55%; no homozygotes.

Submission:

New York Genome Center
Classification: Uncertain significance for ALG9 congenital disorder of glycosylation. Last evaluated: 2020-04-30. Review status: criteria provided, single submitter. Criteria: NYGC Assertion Criteria 2020. Collection method: clinical testing. Allele origin: germline. Observed: 1 heterozygote. Study: CSER-NYCKidSeq.
Comment: The heterozygous c.1090-509A>G deep intronic variant in intron 13/14 of the ALG9 gene has not been reported in affected individuals in the literature. The variant has 0.001401 allele frequency in the gnomAD database (44 out of 31,406heterozygous alleles`). The affected nucleotide is weakly conserved. The c.1090-509A>G deep intronic variant is predicted by in silico tools to alter normal mRNA splicing (TRAP scores= 0.204and 0.182, Human Splicing Finder predicts potential alteration of splicing). However, functional studies are required to evaluate impact of this variant on normal mRNA splicing. Based on the available evidence, the c.1090-509A>G variant in the ALG9 gene is assessed as a variant of uncertain significance.